The following is an entry in ClinVar:

ClinVar aggregate classification (germline): Uncertain significance (1 of 4 stars; one submission).

Conditions:
Hereditary insensitivity to pain with anhidrosis (CIPA). Also called: FAMILIAL DYSAUTONOMIA, TYPE II; NTRK1 Congenital Insensitivity to Pain with Anhidrosis; NEUROPATHY, CONGENITAL SENSORY, WITH ANHIDROSIS; INSENSITIVITY TO PAIN, CONGENITAL, WITH ANHIDROSIS; HSAN Type IV; hereditary sensory and autonomic neuropathy type 4. Identifiers: Orphanet 642, MedGen C0020074, MONDO:0009746, OMIM 256800.

Submission:

Labcorp Genetics (formerly Invitae), Labcorp
Classification: Uncertain significance for Hereditary insensitivity to pain with anhidrosis. Last evaluated: 2022-05-17. Review status: criteria provided, single submitter. Criteria: Invitae Variant Classification Sherloc (09022015). Collection method: clinical testing. Allele origin: germline.
Comment: In summary, the available evidence is currently insufficient to determine the role of this variant in disease. Therefore, it has been classified as a Variant of Uncertain Significance. Variants that disrupt the consensus splice site are a relatively common cause of aberrant splicing (PMID: 17576681, 9536098). Algorithms developed to predict the effect of sequence changes on RNA splicing suggest that this variant is not likely to affect RNA splicing. This variant has not been reported in the literature in individuals affected with NTRK1-related conditions. This variant is not present in population databases (gnomAD no frequency). This sequence change falls in intron 11 of the NTRK1 gene. It does not directly change the encoded amino acid sequence of the NTRK1 protein. It affects a nucleotide within the consensus splice site.

Literature cited by the submitters: PubMed 17576681; PubMed 9536098.

NM_002529.4(NTRK1):c.1502-3C>T

Gene: NTRK1 (neurotrophic receptor tyrosine kinase 1; plus strand). Cytogenetic location: 1q23.1.
Variant type: single nucleotide variant.
Coding change: c.1502-3C>T on transcript NM_002529.4 (MANE Select); 3 bases into the intron before coding-DNA position 1502, C replaced by T.
Molecular consequence: intron variant.
Genome position (GRCh38, 1-based): chr1:156,876,077, C>T. VCF-style: chr1-156876077-C-T. GRCh37 (hg19) VCF-style: chr1-156845869-C-T.
Other names: c.1394-3C>T (NM_001007792.1); c.1484-3C>T (NM_001012331.2).
Identifiers: ClinVar variation 2057746 (VCV002057746.4), dbSNP rs2102917100, ClinGen allele CA342937752.